The following is an entry in ClinVar:

NM_001082486.2(ACD):c.749A>G (p.Glu250Gly)

Gene: ACD (ACD shelterin complex subunit and telomerase recruitment factor; minus strand). Cytogenetic location: 16q22.1.
Variant type: single nucleotide variant.
Coding change: c.749A>G on transcript NM_001082486.2 (MANE Select); coding-DNA position 749, A replaced by G.
Protein change: p.Glu250Gly; replaces glutamic acid 250 with glycine.
Molecular consequence: missense variant.
Genome position (GRCh38, 1-based): chr16:67,658,635, T>C on the plus strand (A>G on the coding strand, the complement: ACD is on the minus strand). VCF-style: chr16-67658635-T-C. GRCh37 (hg19) VCF-style: chr16-67692538-T-C.
Other names: c.740A>G, p.Glu247Gly (NM_022914.3); short protein forms E247G, E250G.
Identifiers: ClinVar variation 1787042 (VCV001787042.2), dbSNP rs2543601597, ClinGen allele CA396353355.

ClinVar aggregate classification (germline): Uncertain significance (1 of 4 stars; one submission).

Conditions:
Inborn genetic diseases. Identifiers: MedGen C0950123, MeSH D030342.

Submission:

Ambry Genetics
Classification: Uncertain significance for Inborn genetic diseases. Last evaluated: 2023-10-16. Review status: criteria provided, single submitter. Criteria: Ambry Variant Classification Scheme 2023. Collection method: clinical testing. Allele origin: germline.
Comment: The p.E336G variant (also known as c.1007A>G), located in coding exon 9 of the ACD gene, results from an A to G substitution at nucleotide position 1007. The glutamic acid at codon 336 is replaced by glycine, an amino acid with similar properties. This amino acid position is conserved. In addition, this alteration is predicted to be tolerated by in silico analysis. Since supporting evidence is limited at this time, the clinical significance of this alteration remains unclear.